The following is an entry in ClinVar:

ClinVar aggregate classification (germline): Likely pathogenic (1 of 4 stars; one submission).

Conditions:
Autosomal recessive limb-girdle muscular dystrophy type 2J (LGMDR10). Also called: Limb-girdle muscular dystrophy, type 2J; MUSCULAR DYSTROPHY, LIMB-GIRDLE, AUTOSOMAL RECESSIVE 10. Identifiers: Orphanet 140922, MedGen C1837342, MONDO:0012127, OMIM 608807.
Dilated cardiomyopathy 1G (CMD1G). Identifiers: Orphanet 154, MedGen C1858763, MONDO:0011400, OMIM 604145.

Submission:

Labcorp Genetics (formerly Invitae), Labcorp
Classification: Likely pathogenic for Dilated cardiomyopathy 1G; Autosomal recessive limb-girdle muscular dystrophy type 2J. Last evaluated: 2017-05-15. Review status: criteria provided, single submitter. Criteria: Invitae Variant Classification Sherloc (09022015). Collection method: clinical testing. Allele origin: germline.
Comment: For these reasons, this variant has been classified as Likely Pathogenic. This variant is found in the A-band of this gene. While this particular variant has not been reported in the literature, truncating variants in the A-band of TTN are significantly overrepresented in patients with dilated cardiomyopathy and are considered to be likely pathogenic for the disease (PMID: 25589632). This sequence change creates a premature translational stop signal at codon 25776 (p.Glu25776*) of the TTN gene. It is expected to result in an absent or disrupted protein product.

Literature cited by the submitters: PubMed 25589632.

NM_001267550.2(TTN):c.77326G>T (p.Glu25776Ter)

Genes: TTN-AS1 (TTN antisense RNA 1; plus strand), TTN (titin; minus strand). Cytogenetic location: 2q31.2.
Variant type: single nucleotide variant.
Coding change: c.77326G>T on transcript NM_001267550.2 (MANE Select); coding-DNA position 77326, G replaced by T.
Protein change: p.Glu25776Ter; replaces glutamic acid 25776 with a stop codon.
Molecular consequence: nonsense.
Genome position (GRCh38, 1-based): chr2:178,568,806, C>A on the plus strand (G>T on the coding strand, the complement: TTN is on the minus strand). VCF-style: chr2-178568806-C-A. GRCh37 (hg19) VCF-style: chr2-179433533-C-A.
Other names: c.72403G>T, p.Glu24135Ter (NM_001256850.1); c.50131G>T, p.Glu16711Ter (NM_003319.4); c.69622G>T, p.Glu23208Ter (NM_133378.4); c.50506G>T, p.Glu16836Ter (NM_133432.3); c.50707G>T, p.Glu16903Ter (NM_133437.4); short protein forms E25776*, E16711*, E16903*, E24135*, E16836*, E23208*.
Identifiers: ClinVar variation 466658 (VCV000466658.10), dbSNP rs1553600058, ClinGen allele CA349611184.